The following is an entry in ClinVar:

NM_006227.4(PLTP):c.176G>A (p.Gly59Asp)

Gene: PLTP (phospholipid transfer protein; minus strand). Cytogenetic location: 20q13.12.
Variant type: single nucleotide variant.
Coding change: c.176G>A on transcript NM_006227.4 (MANE Select); coding-DNA position 176, G replaced by A.
Protein change: p.Gly59Asp; replaces glycine 59 with aspartic acid.
Molecular consequence: missense variant.
Genome position (GRCh38, 1-based): chr20:45,911,176, C>T on the plus strand (G>A on the coding strand, the complement: PLTP is on the minus strand). VCF-style: chr20-45911176-C-T. GRCh37 (hg19) VCF-style: chr20-44539815-C-T.
Other names: c.176G>A, p.Gly59Asp (NM_001242920.2, NM_182676.3); short protein forms G59D.
Identifiers: ClinVar variation 2970287 (VCV002970287.3), dbSNP rs1412206348, ClinGen allele CA409201943.
Genomic context (GRCh38, chr20:45,911,176, plus strand): 5'-CCCGCCCCGGATCGCGAGGCCCCGCCCCCCACTTACTCAGAGATGTTGTAGTAGAAGTGG[C>T]CTTCTTTGCCCCGCAGGTCCGGAATGGTGATAGTCTCCAGCTCTTGCTCCAGAAAGCGCA-3'
Protein context (NP_006218.1, residues 49-69): ITIPDLRGKE[Gly59Asp]HFYYNISEVK

ClinVar aggregate classification (germline): Uncertain significance (1 of 4 stars; one submission).

Allele frequency attached by ClinVar (database versions not stated): TOPMed below 0.00001; gnomAD 0.00001; gnomAD exomes 0.00001.
gnomAD v4.1: 13 of 1,613,852 alleles (0.00081%); highest among the groups gnomAD compares: South Asian, 0.0022%; no homozygotes.

Submission:

Labcorp Genetics (formerly Invitae), Labcorp
Classification: Uncertain significance. Last evaluated: 2023-02-11. Review status: criteria provided, single submitter. Criteria: Invitae Variant Classification Sherloc (09022015). Collection method: clinical testing. Allele origin: germline.
Comment: This sequence change replaces glycine, which is neutral and non-polar, with aspartic acid, which is acidic and polar, at codon 59 of the PLTP protein (p.Gly59Asp). This variant is present in population databases (no rsID available, gnomAD 0.002%). This variant has not been reported in the literature in individuals affected with PLTP-related conditions. Algorithms developed to predict the effect of missense changes on protein structure and function are either unavailable or do not agree on the potential impact of this missense change (SIFT: "Tolerated"; PolyPhen-2: "Probably Damaging"; Align-GVGD: "Class C0"). In summary, the available evidence is currently insufficient to determine the role of this variant in disease. Therefore, it has been classified as a Variant of Uncertain Significance.